The following is an entry in ClinVar:

NM_000334.4(SCN4A):c.-327A>G

Gene: SCN4A (sodium voltage-gated channel alpha subunit 4; minus strand). Cytogenetic location: 17q23.3.
Variant type: single nucleotide variant.
Coding change: c.-327A>G on transcript NM_000334.4 (MANE Select); 327 bases upstream of the start codon, A replaced by G.
Genome position (GRCh38, 1-based): chr17:63,973,168, T>C on the plus strand (A>G on the coding strand, the complement: SCN4A is on the minus strand). VCF-style: chr17-63973168-T-C. GRCh37 (hg19) VCF-style: chr17-62050528-T-C.
Identifiers: ClinVar variation 671344 (VCV000671344.2), dbSNP rs3760238, ClinGen allele CA14383707.
Genomic context (GRCh38, chr17:63,973,168, plus strand): 5'-CGGCTGCCCTCAGGACCGACGGCAAACCAACCAGATTCTTTGTGGCCTTGGGACTTGGGG[T>C]CAACACCCCAGTGCCTTCGACTGCCTCCTGGGCCCAAGCTCCGGGAACTGTGTGGCTTCA-3'

ClinVar aggregate classification (germline): Benign. Review status: criteria provided, multiple submitters, no conflicts (2 of 4 stars). 2 submissions from 2 submitters: Benign (2). Last evaluated 2018-06-14.

Allele frequency attached by ClinVar (database versions not stated): gnomAD exomes 0.49583; gnomAD 0.52810 and 0.52833; TOPMed 0.53678; 1000 Genomes Project 0.54533; 1000 Genomes Project 30x 0.54841.

Submissions (2):

GeneDx
Classification: Benign. Last evaluated: 2018-06-14. Review status: criteria provided, single submitter. Criteria: GeneDx Variant Classification (06012015). Collection method: clinical testing. Allele origin: germline. Affected: yes.
Comment: This variant is considered likely benign or benign based on one or more of the following criteria: it is a conservative change, it occurs at a poorly conserved position in the protein, it is predicted to be benign by multiple in silico algorithms, and/or has population frequency not consistent with disease.

Breakthrough Genomics
Classification: Benign. Review status: criteria provided, single submitter. Criteria: ACMG Guidelines, 2015. Collection method: not provided. Allele origin: germline. Inheritance: Autosomal recessive inheritance. Affected: yes.